The following is an entry in ClinVar:

NM_004304.5(ALK):c.3939-5C>T

Gene: ALK (ALK receptor tyrosine kinase; minus strand). Cytogenetic location: 2p23.2.
Variant type: single nucleotide variant.
Coding change: c.3939-5C>T on transcript NM_004304.5 (MANE Select); 5 bases into the intron before coding-DNA position 3939, C replaced by T.
Molecular consequence: intron variant.
Genome position (GRCh38, 1-based): chr2:29,197,681, G>A on the plus strand (C>T on the coding strand, the complement: ALK is on the minus strand). VCF-style: chr2-29197681-G-A. GRCh37 (hg19) VCF-style: chr2-29420547-G-A.
Other names: c.735-5C>T (NM_001353765.2).
Identifiers: ClinVar variation 706470 (VCV000706470.15), dbSNP rs1573084845, ClinGen allele CA915943707.

ClinVar aggregate classification (germline): Conflicting classifications of pathogenicity. Review status: criteria provided, conflicting classifications (1 of 4 stars). 2 submissions from 2 submitters: Uncertain significance (1); Likely benign (1). Last evaluated 2025-12-21.

Conditions:
Hereditary cancer-predisposing syndrome. Also called: Tumor predisposition; Hereditary neoplastic syndrome; Neoplastic Syndromes, Hereditary; Hereditary Cancer Syndrome. Identifiers: Orphanet 140162, MedGen C0027672, MeSH D009386, MONDO:0015356.
Neuroblastoma, susceptibility to, 3. Also called: ALK-Related Neuroblastic Tumor Susceptibility. Identifiers: Orphanet 635, MedGen C2751681, MONDO:0013083, OMIM 613014.

Allele frequency attached by ClinVar (database versions not stated): gnomAD exomes 0.00001.
gnomAD v4.1: 5 of 1,613,198 alleles (0.00031%); highest among the groups gnomAD compares: South Asian, 0.0011%; no homozygotes.

Submissions (2):

Labcorp Genetics (formerly Invitae), Labcorp
Classification: Likely benign for Neuroblastoma, susceptibility to, 3. Last evaluated: 2025-12-21. Review status: criteria provided, single submitter. Criteria: Invitae Variant Classification Sherloc (09022015). Collection method: clinical testing. Allele origin: germline.

Ambry Genetics
Classification: Uncertain significance for Hereditary cancer-predisposing syndrome. Last evaluated: 2023-12-15. Review status: criteria provided, single submitter. Criteria: Ambry Variant Classification Scheme 2023. Collection method: clinical testing. Allele origin: germline.
Comment: The c.3939-5C>T intronic variant results from a C to T substitution 5 nucleotides upstream from coding exon 27 in the ALK gene. This nucleotide position is not well conserved in available vertebrate species. In silico splice site analysis predicts that this alteration will not have any significant effect on splicing. Since supporting evidence is limited at this time, the clinical significance of this alteration remains unclear.